The following is an entry in ClinVar:

NM_001244926.2(PRPF4):c.1313G>A (p.Arg438Gln)

Gene: PRPF4 (pre-mRNA splicing tri-snRNP complex factor PRPF4; plus strand). Cytogenetic location: 9q32.
Variant type: single nucleotide variant.
Coding change: c.1313G>A on transcript NM_001244926.2 (MANE Select); coding-DNA position 1313, G replaced by A.
Protein change: p.Arg438Gln; replaces arginine 438 with glutamine.
Molecular consequence: missense variant. On other transcripts: non-coding transcript variant (2).
Genome position (GRCh38, 1-based): chr9:113,290,957, G>A. VCF-style: chr9-113290957-G-A. GRCh37 (hg19) VCF-style: chr9-116053237-G-A.
Other names: c.587G>A, p.Arg196Gln (NM_001322266.2, NM_001322267.2); c.1316G>A, p.Arg439Gln (NM_004697.5); short protein forms R439Q, R196Q, R438Q.
Identifiers: ClinVar variation 1907696 (VCV001907696.5), dbSNP rs202224947, ClinGen allele CA5195150.

ClinVar aggregate classification (germline): Uncertain significance (1 of 4 stars; one submission).

Allele frequency attached by ClinVar (database versions not stated): ExAC 0.00001; TOPMed 0.00001; gnomAD 0.00003; gnomAD exomes 0.00004; 1000 Genomes Project 30x 0.00016; 1000 Genomes Project 0.00020.
gnomAD v4.1: 65 of 1,614,140 alleles (0.004%); highest among the groups gnomAD compares: African/African-American, 0.0067%; 1 homozygote.

Submission:

Labcorp Genetics (formerly Invitae), Labcorp
Classification: Uncertain significance. Last evaluated: 2025-11-08. Review status: criteria provided, single submitter. Criteria: Invitae Variant Classification Sherloc (09022015). Collection method: clinical testing. Allele origin: germline.
Comment: This sequence change replaces arginine, which is basic and polar, with glutamine, which is neutral and polar, at codon 439 of the PRPF4 protein (p.Arg439Gln). This variant is present in population databases (rs202224947, gnomAD 0.008%). This variant has not been reported in the literature in individuals affected with PRPF4-related conditions. ClinVar contains an entry for this variant (Variation ID: 1907696). An algorithm developed to predict the effect of missense changes on protein structure and function (PolyPhen-2) suggests that this variant is likely to be tolerated. In summary, the available evidence is currently insufficient to determine the role of this variant in disease. Therefore, it has been classified as a Variant of Uncertain Significance.